The following is an entry in ClinVar:

NM_000093.5(COL5A1):c.5293dup (p.Arg1765fs)

Genes: COL5A1 (collagen type V alpha 1 chain; plus strand), LOC101448202 (uncharacterized LOC101448202; minus strand). Cytogenetic location: 9q34.3.
Variant type: Duplication.
Coding change: c.5293dup on transcript NM_000093.5 (MANE Select); coding-DNA position 5293, one base duplicated (C; older notation c.5293dupC).
Protein change: p.Arg1765fs; shifts the reading frame from arginine 1765.
Molecular consequence: frameshift variant.
Genome position (GRCh38, 1-based): chr9:134,835,127, C duplicated; the last of 2 consecutive C bases (chr9:134,835,126-134,835,127); duplicating either gives the same sequence. VCF-style (leftmost placement, unchanged base first): chr9-134835125-T-TC. GRCh37 (hg19) VCF-style: chr9-137726971-T-TC.
Other names: c.5293dup, p.Arg1765fs (NM_001278074.1); short protein forms R1765fs.
Identifiers: ClinVar variation 838207 (VCV000838207.11), dbSNP rs1839803841, ClinGen allele CA916083086.

ClinVar aggregate classification (germline): Pathogenic (1 of 4 stars; one submission).

Conditions:
Ehlers-Danlos syndrome, classic type, 1 (EDSCL1). Also called: Ehlers-Danlos syndrome, type 1; Ehlers-Danlos Syndrome, Classic Type, COL5A1-Related; EDS I; EHLERS-DANLOS SYNDROME, GRAVIS TYPE; EHLERS-DANLOS SYNDROME, SEVERE CLASSIC TYPE. Identifiers: MedGen C0268335, MONDO:0019567, OMIM 130000.

Submission:

Labcorp Genetics (formerly Invitae), Labcorp
Classification: Pathogenic for Ehlers-Danlos syndrome, classic type, 1. Last evaluated: 2019-01-27. Review status: criteria provided, single submitter. Criteria: Invitae Variant Classification Sherloc (09022015). Collection method: clinical testing. Allele origin: germline.
Comment: For these reasons, this variant has been classified as Pathogenic. This variant disrupts the C-terminus of the COL5A1 protein. Other variant(s) that disrupt this region (p.Phe1820Argfs*2) have been determined to be pathogenic (PMID: 23587214). This suggests that variants that disrupt this region of the protein are likely to be causative of disease. Experimental studies and prediction algorithms are not available for this variant, and the functional significance of the affected amino acid(s) is currently unknown. This variant has not been reported in the literature in individuals with COL5A1-related conditions. This variant is not present in population databases (ExAC no frequency). This sequence change results in a premature translational stop signal in the COL5A1 gene (p.Arg1765Profs*13). While this is not anticipated to result in nonsense mediated decay, it is expected to disrupt the last 74 amino acids of the COL5A1 protein.

Literature cited by the submitters: PubMed 23587214.